The following is an entry in ClinVar:

NM_001365999.1(SZT2):c.9556G>A (p.Val3186Ile)

Genes: SZT2 (SZT2 subunit of KICSTOR complex; plus strand), SZT2-AS1 (SZT2 antisense RNA 1; minus strand). Cytogenetic location: 1p34.2.
Variant type: single nucleotide variant.
Coding change: c.9556G>A on transcript NM_001365999.1 (MANE Select); coding-DNA position 9556, G replaced by A.
Protein change: p.Val3186Ile; replaces valine 3186 with isoleucine.
Molecular consequence: missense variant.
Genome position (GRCh38, 1-based): chr1:43,447,964, G>A. VCF-style: chr1-43447964-G-A. GRCh37 (hg19) VCF-style: chr1-43913635-G-A.
Other names: c.9385G>A, p.Val3129Ile (NM_015284.4); short protein forms V3129I, V3186I.
Identifiers: ClinVar variation 1003709 (VCV001003709.7), dbSNP rs538213087, ClinGen allele CA810941.

ClinVar aggregate classification (germline): Uncertain significance (1 of 4 stars; one submission).

Allele frequency attached by ClinVar (database versions not stated): TOPMed 0.00002; 1000 Genomes Project 30x 0.00031; 1000 Genomes Project 0.00040.
gnomAD v4.1: 22 of 1,613,906 alleles (0.0014%); highest among the groups gnomAD compares: African/African-American, 0.008%; no homozygotes.

Submission:

Labcorp Genetics (formerly Invitae), Labcorp
Classification: Uncertain significance. Last evaluated: 2022-09-26. Review status: criteria provided, single submitter. Criteria: Invitae Variant Classification Sherloc (09022015). Collection method: clinical testing. Allele origin: germline.
Comment: This sequence change replaces valine, which is neutral and non-polar, with isoleucine, which is neutral and non-polar, at codon 3129 of the SZT2 protein (p.Val3129Ile). This variant is present in population databases (rs538213087, gnomAD 0.007%). This variant has not been reported in the literature in individuals affected with SZT2-related conditions. ClinVar contains an entry for this variant (Variation ID: 1003709). Advanced modeling of protein sequence and biophysical properties (such as structural, functional, and spatial information, amino acid conservation, physicochemical variation, residue mobility, and thermodynamic stability) performed at Invitae indicates that this missense variant is not expected to disrupt SZT2 protein function. In summary, the available evidence is currently insufficient to determine the role of this variant in disease. Therefore, it has been classified as a Variant of Uncertain Significance.